The following is an entry in ClinVar:

ClinVar aggregate classification (germline): Uncertain significance (1 of 4 stars; one submission).

Conditions:
Renal cell carcinoma. Identifiers: Orphanet 217071, MedGen C0007134, MeSH D002292, MONDO:0005086, HP:0005584.

Submission:

Labcorp Genetics (formerly Invitae), Labcorp
Classification: Uncertain significance for Renal cell carcinoma. Last evaluated: 2023-05-17. Review status: criteria provided, single submitter. Criteria: Invitae Variant Classification Sherloc (09022015). Collection method: clinical testing. Allele origin: germline.
Comment: In summary, the available evidence is currently insufficient to determine the role of this variant in disease. Therefore, it has been classified as a Variant of Uncertain Significance. Advanced modeling of protein sequence and biophysical properties (such as structural, functional, and spatial information, amino acid conservation, physicochemical variation, residue mobility, and thermodynamic stability) performed at Invitae indicates that this missense variant is expected to disrupt MET protein function. This variant has not been reported in the literature in individuals affected with MET-related conditions. This variant is not present in population databases (gnomAD no frequency). This sequence change replaces arginine, which is basic and polar, with serine, which is neutral and polar, at codon 461 of the MET protein (p.Arg461Ser).

NM_000245.4(MET):c.1381C>A (p.Arg461Ser)

Gene: MET (MET proto-oncogene, receptor tyrosine kinase; plus strand). Cytogenetic location: 7q31.2.
Variant type: single nucleotide variant.
Coding change: c.1381C>A on transcript NM_000245.4 (MANE Select); coding-DNA position 1381, C replaced by A.
Protein change: p.Arg461Ser; replaces arginine 461 with serine.
Molecular consequence: missense variant.
Genome position (GRCh38, 1-based): chr7:116,731,848, C>A. VCF-style: chr7-116731848-C-A. GRCh37 (hg19) VCF-style: chr7-116371902-C-A.
Other names: c.1381C>A, p.Arg461Ser (NM_001127500.3, NM_001324401.3); c.91C>A, p.Arg31Ser (NM_001324402.2); short protein forms R461S, R31S.
Identifiers: ClinVar variation 2854357 (VCV002854357.3), dbSNP rs1584914359, ClinGen allele CA368973122.
Genomic context (GRCh38, chr7:116,731,848, plus strand): 5'-TCTATATCCACCTTCATTAAAGGAGACCTCACCATAGCTAATCTTGGGACATCAGAGGGT[C>A]GCTTCATGCAGGTAAGTGCTTTCTGAGAGTAGCTGTGTCTGTTCTATCTGGTATTGTGCA-3'
Protein context (NP_000236.2, residues 451-471): TIANLGTSEG[Arg461Ser]FMQVVVSRSG